The following is an entry in ClinVar:

ClinVar aggregate classification (germline): Uncertain significance (1 of 4 stars; one submission).

Submission:

GeneDx
Classification: Uncertain significance. Last evaluated: 2026-03-25. Review status: criteria provided, single submitter. Criteria: GeneDx Variant Classification Process June 2021. Collection method: clinical testing. Allele origin: germline.
Comment: Not observed at significant frequency in large population cohorts (gnomAD); In silico analysis supports that this missense variant has a deleterious effect on protein structure/function; Has not been previously published as pathogenic or benign to our knowledge

NM_000384.3(APOB):c.2717T>C (p.Phe906Ser)

Gene: APOB (apolipoprotein B; minus strand). Cytogenetic location: 2p24.1.
Variant type: single nucleotide variant.
Coding change: c.2717T>C on transcript NM_000384.3 (MANE Select); coding-DNA position 2717, T replaced by C.
Protein change: p.Phe906Ser; replaces phenylalanine 906 with serine.
Molecular consequence: missense variant.
Genome position (GRCh38, 1-based): chr2:21,022,930, A>G on the plus strand (T>C on the coding strand, the complement: APOB is on the minus strand). VCF-style: chr2-21022930-A-G. GRCh37 (hg19) VCF-style: chr2-21245802-A-G.
Other names: short protein forms F906S.
Identifiers: ClinVar variation 5017096 (VCV005017096.1).